The following is an entry in ClinVar:

NM_019892.6(INPP5E):c.624A>G (p.Thr208=)

Gene: INPP5E (inositol polyphosphate-5-phosphatase E; minus strand). Cytogenetic location: 9q34.3.
Variant type: single nucleotide variant.
Coding change: c.624A>G on transcript NM_019892.6 (MANE Select); coding-DNA position 624, A replaced by G.
Protein change: p.Thr208=; no amino-acid change (threonine 208 retained).
Molecular consequence: synonymous variant.
Genome position (GRCh38, 1-based): chr9:136,438,796, T>C on the plus strand (A>G on the coding strand, the complement: INPP5E is on the minus strand). VCF-style: chr9-136438796-T-C. GRCh37 (hg19) VCF-style: chr9-139333248-T-C.
Other names: c.624A>G, p.Thr208= (NM_001318502.2).
Identifiers: ClinVar variation 2141716 (VCV002141716.18), dbSNP rs374855241, ClinGen allele CA5337118.

ClinVar aggregate classification (germline): Likely benign. Review status: criteria provided, multiple submitters, no conflicts (2 of 4 stars). 3 submissions from 3 submitters: Likely benign (3). Last evaluated 2024-12-01.

Conditions:
Joubert syndrome. Also called: Familial aplasia of the vermis; JOUBERT-BOLTSHAUSER SYNDROME. Identifiers: Orphanet 475, MedGen C5979921, MONDO:0018772.

Allele frequency attached by ClinVar (database versions not stated): ExAC 0.00002; ESP Exome Variant Server 0.00015.

Submissions (3):

CeGaT Center for Human Genetics Tuebingen
Classification: Likely benign. Last evaluated: 2024-12-01. Review status: criteria provided, single submitter. Criteria: CeGaT Center For Human Genetics Tuebingen Variant Classification Criteria Version 2. Collection method: clinical testing. Allele origin: germline. Affected: yes. Observed: 1 variant allele.
Comment: INPP5E: BP4, BP7

Labcorp Genetics (formerly Invitae), Labcorp
Classification: Likely benign for Joubert syndrome. Last evaluated: 2024-11-03. Review status: criteria provided, single submitter. Criteria: Invitae Variant Classification Sherloc (09022015). Collection method: clinical testing. Allele origin: germline.

Blueprint Genetics
Classification: Likely benign. Last evaluated: 2022-01-27. Review status: criteria provided, single submitter. Criteria: ACMG Guidelines, 2015. Collection method: clinical testing. Allele origin: germline.